The following is an entry in ClinVar:

ClinVar aggregate classification (germline): Benign/Likely benign. Review status: criteria provided, multiple submitters, no conflicts (2 of 4 stars). 5 submissions from 5 submitters: Benign (1); Likely benign (4). Last evaluated 2025-01-14.

Conditions:
Episodic ataxia type 2 (EA2). Also called: ATAXIA, EPISODIC, WITH NYSTAGMUS; ATAXIA, FAMILIAL PAROXYSMAL; CEREBELLAR ATAXIA, PAROXYSMAL, ACETAZOLAMIDE-RESPONSIVE; CEREBELLOPATHY, HEREDITARY PAROXYSMAL; ACETAZOLAMIDE-RESPONSIVE HEREDITARY PAROXYSMAL CEREBELLAR ATAXIA; EPISODIC ATAXIA, NYSTAGMUS-ASSOCIATED. Identifiers: Orphanet 97, MedGen C1720416, MONDO:0007163, OMIM 108500.
Developmental and epileptic encephalopathy, 42 (DEE42A). Also called: Epileptic encephalopathy, early infantile, 42; DEVELOPMENTAL AND EPILEPTIC ENCEPHALOPATHY 42A; EPILEPTIC ENCEPHALOPATHY, EARLY INFANTILE, 42A. Identifiers: MedGen C4310716, MONDO:0014917, OMIM 617106.
Inborn genetic diseases. Identifiers: MedGen C0950123, MeSH D030342.

Allele frequency attached by ClinVar (database versions not stated): ExAC 0.00002; gnomAD 0.00002; gnomAD exomes 0.00002 and 0.00003; TOPMed 0.00003; ESP Exome Variant Server 0.00008.
gnomAD v4.1: 44 of 1,613,532 alleles (0.0027%); highest among the groups gnomAD compares: East Asian, 0.0067%; no homozygotes.

Submissions (5):

Athena Diagnostics
Classification: Benign. Last evaluated: 2025-01-14. Review status: criteria provided, single submitter. Criteria: Athena Diagnostics Criteria. Collection method: clinical testing. Allele origin: unknown.
Comment: The frequency of this variant in the general population is higher than would generally be expected for pathogenic variants in this gene. Computational tools yielded predictions that this variant is unlikely to have an effect on normal RNA splicing. This nucleotide position exhibits low evolutionary conservation.

Labcorp Genetics (formerly Invitae), Labcorp
Classification: Likely benign for Developmental and epileptic encephalopathy, 42; Episodic ataxia type 2. Last evaluated: 2024-02-13. Review status: criteria provided, single submitter. Criteria: Invitae Variant Classification Sherloc (09022015). Collection method: clinical testing. Allele origin: germline.

GeneDx
Classification: Likely benign. Last evaluated: 2021-06-17. Review status: criteria provided, single submitter. Criteria: GeneDx Variant Classification Process June 2021. Collection method: clinical testing. Allele origin: germline. Affected: yes.

Ambry Genetics
Classification: Likely benign for Inborn genetic diseases. Last evaluated: 2017-12-28. Review status: criteria provided, single submitter. Criteria: Ambry Variant Classification Scheme 2023. Collection method: clinical testing. Allele origin: germline.

Breakthrough Genomics
Classification: Likely benign. Review status: criteria provided, single submitter. Criteria: ACMG Guidelines, 2015. Collection method: not provided. Allele origin: germline. Inheritance: Autosomal dominant inheritance. Affected: yes.

NM_001127222.2(CACNA1A):c.5166C>T (p.Asp1722=)

Gene: CACNA1A (calcium voltage-gated channel subunit alpha1 A; minus strand). Cytogenetic location: 19p13.13.
Variant type: single nucleotide variant.
Coding change: c.5166C>T on transcript NM_001127222.2 (MANE Select); coding-DNA position 5166, C replaced by T.
Protein change: p.Asp1722=; no amino-acid change (aspartic acid 1722 retained).
Molecular consequence: synonymous variant.
Genome position (GRCh38, 1-based): chr19:13,235,004, G>A on the plus strand (C>T on the coding strand, the complement: CACNA1A is on the minus strand). VCF-style: chr19-13235004-G-A. GRCh37 (hg19) VCF-style: chr19-13345818-G-A.
Other names: c.5184C>T, p.Asp1728= (NM_000068.4, NM_023035.3); c.5169C>T, p.Asp1723= (NM_001127221.2); c.5175C>T, p.Asp1725= (NM_001174080.2).
Identifiers: ClinVar variation 446931 (VCV000446931.14), dbSNP rs200501726, ClinGen allele CA9239806.